The following is an entry in ClinVar:

NM_001242896.3(DEPDC5):c.3127G>A (p.Ala1043Thr)

Gene: DEPDC5 (DEP domain containing 5, GATOR1 subcomplex subunit; plus strand). Cytogenetic location: 22q12.3.
Variant type: single nucleotide variant.
Coding change: c.3127G>A on transcript NM_001242896.3 (MANE Select); coding-DNA position 3127, G replaced by A.
Protein change: p.Ala1043Thr; replaces alanine 1043 with threonine.
Molecular consequence: missense variant. On other transcripts: non-coding transcript variant (5).
Genome position (GRCh38, 1-based): chr22:31,846,939, G>A. VCF-style: chr22-31846939-G-A. GRCh37 (hg19) VCF-style: chr22-32242925-G-A.
Other names: c.3100G>A, p.Ala1034Thr (NM_001136029.4, NM_001369903.1, NM_014662.6); c.2893G>A, p.Ala965Thr (NM_001242897.2, NM_001363854.2, NM_001364319.2); c.3127G>A, p.Ala1043Thr (NM_001363852.2, NM_001364318.2, NM_001364320.2); c.3043G>A, p.Ala1015Thr (NM_001369901.1, NM_001369902.1); short protein forms A1015T, A1034T, A1043T, A965T.
Identifiers: ClinVar variation 3624892 (VCV003624892.2).

ClinVar aggregate classification (germline): Uncertain significance (1 of 4 stars; one submission).

Conditions:
Familial focal epilepsy with variable foci (FPEVF). Identifiers: Orphanet 98820, MedGen C1858477, MONDO:0020310.

gnomAD v4.1: 1 of 1,614,134 alleles (0.000062%); highest among the groups gnomAD compares: African/African-American, 0.0013%; no homozygotes.

Submission:

Labcorp Genetics (formerly Invitae), Labcorp
Classification: Uncertain significance for Familial focal epilepsy with variable foci. Last evaluated: 2024-12-10. Review status: criteria provided, single submitter. Criteria: Invitae Variant Classification Sherloc (09022015). Collection method: clinical testing. Allele origin: germline.
Comment: This sequence change replaces alanine, which is neutral and non-polar, with threonine, which is neutral and polar, at codon 1043 of the DEPDC5 protein (p.Ala1043Thr). This variant is not present in population databases (gnomAD no frequency). This variant has not been reported in the literature in individuals affected with DEPDC5-related conditions. Experimental studies and prediction algorithms are not available or were not evaluated, and the functional significance of this variant is currently unknown. In summary, the available evidence is currently insufficient to determine the role of this variant in disease. Therefore, it has been classified as a Variant of Uncertain Significance.